The following is an entry in ClinVar:

ClinVar aggregate classification (germline): Uncertain significance (0 of 4 stars; one submission).

Conditions:
GNAS-related disorder. Identifiers: MedGen CN380105.

gnomAD v4.1: 120 of 1,601,332 alleles (0.0075%); highest among the groups gnomAD compares: Non-Finnish European, 0.0097%; no homozygotes.

Submission:

PreventionGenetics, part of Exact Sciences
Classification: Uncertain significance for GNAS-related condition. Last evaluated: 2024-04-09. Review status: no assertion criteria provided. Collection method: clinical testing. Allele origin: germline.
Comment: The GNAS c.860A>G variant is predicted to result in the amino acid substitution p.Gln287Arg. However, this variant corresponds to a pre-coding variant in the primary transcript (NM_000516.5:c.-37415A>G). To our knowledge, this variant has not been reported in the literature. This variant is reported in 0.0080% of alleles in individuals of African descent in gnomAD. At this time, the clinical significance of this variant is uncertain due to the absence of conclusive functional and genetic evidence.

NM_080425.4(GNAS):c.1047A>G (p.Ala349=)

Gene: GNAS (GNAS complex locus; plus strand). Cytogenetic location: 20q13.32.
Variant type: single nucleotide variant.
Coding change: c.1047A>G on transcript NM_080425.4 (MANE Plus Clinical); coding-DNA position 1047, A replaced by G.
Protein change: p.Ala349=; no amino-acid change (alanine 349 retained).
Molecular consequence: synonymous variant. On other transcripts: missense variant (2), intron variant (3).
Genome position (GRCh38, 1-based): chr20:58,854,312, A>G. VCF-style: chr20-58854312-A-G. GRCh37 (hg19) VCF-style: chr20-57429367-A-G.
Other names: c.860A>G, p.Gln287Arg (NM_001077490.3, NM_001309883.1); c.1047A>G, p.Ala349= (NM_001410913.1); c.*42+13426A>G (NM_016592.5); c.43+13426A>G (NM_001410912.1); c.-39+12437A>G (NM_001309861.2); short protein forms Q287R.
Identifiers: ClinVar variation 3351209 (VCV003351209.1).
Genomic context (GRCh38, chr20:58,854,312, plus strand): 5'-AATCGCGCTTGACGGCCCGCCCATCAAGGTCTCCGGAGCCCCAGATAAGAGAGAGCGAGC[A>G]GAGAGACCCCCAGTTGAGGAGGAAGCAGCAGAGATGGAAGGAGCCGCTGATGCCGCGGAG-3'
Protein context (NP_536350.2, residues 339-359): VSGAPDKRER[Ala349=]ERPPVEEEAA